The following is an entry in ClinVar:

NM_003970.4(MYOM2):c.1087G>A (p.Val363Ile)

Gene: MYOM2 (myomesin 2; plus strand). Cytogenetic location: 8p23.3.
Variant type: single nucleotide variant.
Coding change: c.1087G>A on transcript NM_003970.4 (MANE Select); coding-DNA position 1087, G replaced by A.
Protein change: p.Val363Ile; replaces valine 363 with isoleucine.
Molecular consequence: missense variant.
Genome position (GRCh38, 1-based): chr8:2,073,467, G>A. VCF-style: chr8-2073467-G-A. GRCh37 (hg19) VCF-style: chr8-2021547-G-A.
Other names: short protein forms V363I.
Identifiers: ClinVar variation 3037866 (VCV003037866.2), dbSNP rs34316994, ClinGen allele CA170448373.
Genomic context (GRCh38, chr8:2,073,467, plus strand): 5'-AGCCACCTGCACAAGGACGACGAGGGCCTGTACACCCTGCGCATCGTGTCTCGGGGCGGC[G>A]TCAGCGACCACAGCGCCTTCCTGTTTGTCAGAGGTGCGGGCAGCAGGGTTCTCAGGGTGC-3'
Protein context (NP_003961.3, residues 353-373): YTLRIVSRGG[Val363Ile]SDHSAFLFVR

ClinVar aggregate classification (germline): Benign (0 of 4 stars; one submission).

Conditions:
MYOM2-related disorder. Also called: MYOM2-related condition.

Allele frequency attached by ClinVar (database versions not stated): ESP Exome Variant Server 0.02945; ExAC 0.03163; 1000 Genomes Project 0.04533; 1000 Genomes Project 30x 0.04685.

Submission:

PreventionGenetics, part of Exact Sciences
Classification: Benign for MYOM2-related condition. Last evaluated: 2019-02-21. Review status: no assertion criteria provided. Collection method: clinical testing. Allele origin: germline.
Comment: This variant is classified as benign based on ACMG/AMP sequence variant interpretation guidelines (Richards et al. 2015 PMID: 25741868, with internal and published modifications).